The following is an entry in ClinVar:

ClinVar aggregate classification (germline): Conflicting classifications of pathogenicity. Review status: criteria provided, conflicting classifications (1 of 4 stars). 2 submissions from 2 submitters: Uncertain significance (1); Likely benign (1). Last evaluated 2025-11-30.

Conditions:
Gorlin syndrome. Also called: Nevoid Basal Cell Carcinoma Syndrome; Basal cell nevus syndrome. Identifiers: Orphanet 377, MedGen C0004779, MONDO:0007187.
Hereditary cancer-predisposing syndrome. Also called: Hereditary Cancer Syndrome; Tumor predisposition; Neoplastic Syndromes, Hereditary; Hereditary neoplastic syndrome. Identifiers: Orphanet 140162, MedGen C0027672, MeSH D009386, MONDO:0015356.

Submissions (2):

Labcorp Genetics (formerly Invitae), Labcorp
Classification: Uncertain significance for Gorlin syndrome. Last evaluated: 2025-11-30. Review status: criteria provided, single submitter. Criteria: Invitae Variant Classification Sherloc (09022015). Collection method: clinical testing. Allele origin: germline.
Comment: This sequence change replaces valine, which is neutral and non-polar, with isoleucine, which is neutral and non-polar, at codon 1386 of the PTCH1 protein (p.Val1386Ile). This variant is present in population databases (no rsID available, gnomAD 0.006%). This variant has not been reported in the literature in individuals affected with PTCH1-related conditions. ClinVar contains an entry for this variant (Variation ID: 3231044). Invitae Evidence Modeling of protein sequence and biophysical properties (such as structural, functional, and spatial information, amino acid conservation, physicochemical variation, residue mobility, and thermodynamic stability) indicates that this missense variant is not expected to disrupt PTCH1 protein function with a negative predictive value of 95%. In summary, the available evidence is currently insufficient to determine the role of this variant in disease. Therefore, it has been classified as a Variant of Uncertain Significance.

Ambry Genetics
Classification: Likely benign for Hereditary cancer-predisposing syndrome. Last evaluated: 2023-12-07. Review status: criteria provided, single submitter. Criteria: Ambry Variant Classification Scheme 2023. Collection method: clinical testing. Allele origin: germline.

NM_000264.5(PTCH1):c.4156G>A (p.Val1386Ile)

Gene: PTCH1 (patched 1; minus strand). Cytogenetic location: 9q22.32.
Variant type: single nucleotide variant.
Coding change: c.4156G>A on transcript NM_000264.5 (MANE Select); coding-DNA position 4156, G replaced by A.
Protein change: p.Val1386Ile; replaces valine 1386 with isoleucine.
Molecular consequence: missense variant. On other transcripts: non-coding transcript variant (1).
Genome position (GRCh38, 1-based): chr9:95,447,100, C>T on the plus strand (G>A on the coding strand, the complement: PTCH1 is on the minus strand). VCF-style: chr9-95447100-C-T. GRCh37 (hg19) VCF-style: chr9-98209382-C-T.
Other names: c.3958G>A, p.Val1320Ile (NM_001083602.3); c.4153G>A, p.Val1385Ile (NM_001083603.3); c.3703G>A, p.Val1235Ile (NM_001083604.3, NM_001083605.3, NM_001083606.3 and 1 more transcripts); c.4000G>A, p.Val1334Ile (NM_001354918.2); short protein forms V1235I, V1320I, V1334I, V1385I, V1386I.
Identifiers: ClinVar variation 3231044 (VCV003231044.2), dbSNP rs915925601, ClinGen allele CA196557709.
Genomic context (GRCh38, chr9:95,447,100, plus strand): 5'-GGTCAGTCTCAGGGTAGCCTGGGCAGAGTCCCCCTCGGGGGTTCCGCCCAGGCCCAGGGA[C>T]AGGCGGCGGGTGCACGGCGACAGTCACGGAGGCAGAAGCCGTCACAGTGGTGATGGGCTG-3'
Protein context (NP_000255.2, residues 1376-1396): SVTVAVHPPP[Val1386Ile]PGPGRNPRGG